The following is an entry in ClinVar:

ClinVar aggregate classification (germline): Uncertain significance. Review status: criteria provided, multiple submitters, no conflicts (2 of 4 stars). 2 submissions from 2 submitters: Uncertain significance (2). Last evaluated 2025-04-29.

Conditions:
Hereditary breast ovarian cancer syndrome. Also called: Hereditary breast and ovarian cancer syndrome (HBOC); Hereditary breast and ovarian cancer; BRCA1- and BRCA2-Associated Hereditary Breast and Ovarian Cancer; Breast and ovarian cancer; Hereditary breast and ovarian cancer syndrome; Hereditary breast and/or ovarian cancer syndrome. Identifiers: Orphanet 145, MedGen C0677776, MeSH D061325, MONDO:0003582. Disease mechanism: loss of function.
Hereditary cancer-predisposing syndrome. Also called: Hereditary neoplastic syndrome; Tumor predisposition; Hereditary Cancer Syndrome; Neoplastic Syndromes, Hereditary. Identifiers: Orphanet 140162, MedGen C0027672, MeSH D009386, MONDO:0015356.

Submissions (3):

Labcorp Genetics (formerly Invitae), Labcorp
Classification: Uncertain significance for Hereditary breast ovarian cancer syndrome. Last evaluated: 2025-04-29. Review status: criteria provided, single submitter. Criteria: Invitae Variant Classification Sherloc (09022015). Collection method: clinical testing. Allele origin: germline.
Comment: This sequence change falls in intron 17 of the BRCA1 gene. It does not directly change the encoded amino acid sequence of the BRCA1 protein. This variant is not present in population databases (gnomAD no frequency). This variant has been observed in individual(s) with breast cancer and/or ovarian cancer (PMID: 28364669). ClinVar contains an entry for this variant (Variation ID: 629239). Algorithms developed to predict the effect of variants on gene product structure and function are not available or were not evaluated for this variant. Experimental studies have shown that this variant affects BRCA1 function (PMID: 30209399). Algorithms developed to predict the effect of sequence changes on RNA splicing suggest that this variant may disrupt the consensus splice site. In summary, the available evidence is currently insufficient to determine the role of this variant in disease. Therefore, it has been classified as a Variant of Uncertain Significance.

Color Diagnostics, LLC DBA Color Health
Classification: Uncertain significance for Hereditary cancer-predisposing syndrome. Last evaluated: 2022-08-26. Review status: criteria provided, single submitter. Criteria: ACMG Guidelines, 2015. Collection method: clinical testing. Allele origin: germline.
Comment: This variant causes a T to A nucleotide substitution at the -12 position of intron 17 of the BRCA1 gene. Splice site prediction tools predict that this variant may impact RNA splicing. To our knowledge, functional studies have not been reported for this variant. This variant has been reported in an individual affected with breast or ovarian cancer (PMID: 28364669). This variant has not been identified in the general population by the Genome Aggregation Database (gnomAD). The available evidence is insufficient to determine the role of this variant in disease conclusively. Therefore, this variant is classified as a Variant of Uncertain Significance.

Brotman Baty Institute, University of Washington
No classification provided (evidence only). Condition: Breast-ovarian cancer, familial 1. Review status: no classification provided. Collection method: in vitro. Allele origin: not applicable. Functional consequence: functionally_abnormal. Not counted in ClinVar's aggregate classification.
ClinVar note: "not provided" was previously submitted as the classification for the variant. However, the classification appeared to be based only on an observation of functional data so it was converted to no classification on 2025-07-30.

Literature cited by the submitters: PubMed 28364669 (cited by Labcorp Genetics (formerly Invitae), Labcorp and Color Diagnostics, LLC DBA Color Health); PubMed 30209399 (cited by Labcorp Genetics (formerly Invitae), Labcorp).

NM_007294.4(BRCA1):c.5153-12T>A

Gene: BRCA1 (BRCA1 DNA repair associated; minus strand). Cytogenetic location: 17q21.31.
Variant type: single nucleotide variant.
Coding change: c.5153-12T>A on transcript NM_007294.4 (MANE Select); 12 bases into the intron before coding-DNA position 5153, T replaced by A.
Molecular consequence: intron variant.
Genome position (GRCh38, 1-based): chr17:43,063,385, A>T on the plus strand (T>A on the coding strand, the complement: BRCA1 is on the minus strand). VCF-style: chr17-43063385-A-T. GRCh37 (hg19) VCF-style: chr17-41215402-A-T.
Other names: c.4940-12T>A (NM_001407571.1, NM_001407907.1, NM_001407902.1 and 12 more transcripts); c.4817-12T>A (NM_001407950.1, NM_001407953.1, NM_001407955.1 and 3 more transcripts); c.4820-12T>A (NM_001407948.1, NM_001407947.1, NM_001407949.1 and 1 more transcripts); c.1631-12T>A (NM_001408484.1, NM_001408485.1, NM_001408483.1 and 5 more transcripts); c.1634-12T>A (NM_001408478.1, NM_001408480.1, NM_001408479.1); c.4943-12T>A (NM_001407879.1, NM_001407882.1, NM_001407885.1 and 5 more transcripts); c.1715-12T>A (NM_001408450.1, NM_001408447.1, NM_001408446.1 and 2 more transcripts); c.1718-12T>A (NM_001408434.1, NM_001408440.1, NM_001408433.1 and 10 more transcripts); and 72 more.
Identifiers: ClinVar variation 629239 (VCV000629239.16), dbSNP rs1567768851, ClinGen allele CA913188795.